The following is an entry in ClinVar:

ClinVar aggregate classification (germline): Uncertain significance. Review status: criteria provided, multiple submitters, no conflicts (2 of 4 stars). 2 submissions from 2 submitters: Uncertain significance (2). Last evaluated 2025-06-07.

gnomAD v4.1: 31 of 1,613,954 alleles (0.0019%); highest among the groups gnomAD compares: Middle Eastern, 0.016%; no homozygotes.

Submissions (2):

Ambry Genetics
Classification: Uncertain significance. Last evaluated: 2025-06-07. Review status: criteria provided, single submitter. Criteria: Ambry Variant Classification Scheme 2023. Collection method: clinical testing. Allele origin: germline.

Labcorp Genetics (formerly Invitae), Labcorp
Classification: Uncertain significance. Last evaluated: 2024-11-15. Review status: criteria provided, single submitter. Criteria: Invitae Variant Classification Sherloc (09022015). Collection method: clinical testing. Allele origin: germline.
Comment: This sequence change replaces arginine, which is basic and polar, with histidine, which is basic and polar, at codon 461 of the SLIT2 protein (p.Arg461His). This variant is present in population databases (rs571543626, gnomAD 0.003%). This variant has not been reported in the literature in individuals affected with SLIT2-related conditions. An algorithm developed to predict the effect of missense changes on protein structure and function (PolyPhen-2) suggests that this variant is likely to be disruptive. In summary, the available evidence is currently insufficient to determine the role of this variant in disease. Therefore, it has been classified as a Variant of Uncertain Significance.

NM_004787.4(SLIT2):c.1382G>A (p.Arg461His)

Gene: SLIT2 (slit guidance ligand 2; plus strand). Cytogenetic location: 4p15.31.
Variant type: single nucleotide variant.
Coding change: c.1382G>A on transcript NM_004787.4 (MANE Select); coding-DNA position 1382, G replaced by A.
Protein change: p.Arg461His; replaces arginine 461 with histidine.
Molecular consequence: missense variant.
Genome position (GRCh38, 1-based): chr4:20,524,121, G>A. VCF-style: chr4-20524121-G-A. GRCh37 (hg19) VCF-style: chr4-20525744-G-A.
Other names: c.1382G>A (NM_004787.1); c.1394G>A, p.Arg465His (NM_001289135.3); c.1382G>A, p.Arg461His (NM_001289136.3); short protein forms R461H, R465H.
Identifiers: ClinVar variation 3717540 (VCV003717540.3).